The following is an entry in ClinVar:

ClinVar aggregate classification (germline): Uncertain significance (1 of 4 stars; one submission).

Submission:

Labcorp Genetics (formerly Invitae), Labcorp
Classification: Uncertain significance. Last evaluated: 2022-03-20. Review status: criteria provided, single submitter. Criteria: Invitae Variant Classification Sherloc (09022015). Collection method: clinical testing. Allele origin: germline.
Comment: This variant has not been reported in the literature in individuals affected with MTOR-related conditions. Algorithms developed to predict the effect of missense changes on protein structure and function are either unavailable or do not agree on the potential impact of this missense change (SIFT: "Tolerated"; PolyPhen-2: "Possibly Damaging"; Align-GVGD: "Class C0"). In summary, the available evidence is currently insufficient to determine the role of this variant in disease. Therefore, it has been classified as a Variant of Uncertain Significance. This sequence change replaces glutamine, which is neutral and polar, with histidine, which is basic and polar, at codon 1738 of the MTOR protein (p.Gln1738His). This variant is not present in population databases (gnomAD no frequency).

NM_004958.4(MTOR):c.5214G>T (p.Gln1738His)

Gene: MTOR (mechanistic target of rapamycin kinase; minus strand). Cytogenetic location: 1p36.22.
Variant type: single nucleotide variant.
Coding change: c.5214G>T on transcript NM_004958.4 (MANE Select); coding-DNA position 5214, G replaced by T.
Protein change: p.Gln1738His; replaces glutamine 1738 with histidine.
Molecular consequence: missense variant.
Genome position (GRCh38, 1-based): chr1:11,134,383, C>A on the plus strand (G>T on the coding strand, the complement: MTOR is on the minus strand). VCF-style: chr1-11134383-C-A. GRCh37 (hg19) VCF-style: chr1-11194440-C-A.
Other names: c.5214G>T, p.Gln1738His (NM_001386500.1); c.3966G>T, p.Gln1322His (NM_001386501.1); short protein forms Q1322H, Q1738H.
Identifiers: ClinVar variation 2114840 (VCV002114840.4), dbSNP rs2522381677, ClinGen allele CA338400718.